The following is an entry in ClinVar:

NM_006950.3(SYN1):c.986C>T (p.Thr329Met)

Gene: SYN1 (synapsin I; minus strand). Cytogenetic location: Xp11.3.
Variant type: single nucleotide variant.
Coding change: c.986C>T on transcript NM_006950.3 (MANE Select); coding-DNA position 986, C replaced by T.
Protein change: p.Thr329Met; replaces threonine 329 with methionine.
Molecular consequence: missense variant.
Genome position (GRCh38, 1-based): chrX:47,576,401, G>A on the plus strand (C>T on the coding strand, the complement: SYN1 is on the minus strand). VCF-style: chrX-47576401-G-A. GRCh37 (hg19) VCF-style: chrX-47435800-G-A.
Other names: c.986C>T, p.Thr329Met (NM_133499.2); short protein forms T329M.
Identifiers: ClinVar variation 932913 (VCV000932913.24), dbSNP rs2057777813, ClinGen allele CA412826769.

ClinVar aggregate classification (germline): Conflicting classifications of pathogenicity. Review status: criteria provided, conflicting classifications (1 of 4 stars). 2 submissions from 2 submitters: Likely pathogenic (1); Uncertain significance (1). Last evaluated 2022-07-30.

Conditions:
Intellectual developmental disorder, X-linked 50. Also called: Intellectual disability, X-linked 50; MRX50. Identifiers: Orphanet 777, MedGen C1848087, MONDO:0010251, OMIM 300115.
Epilepsy, X-linked 1, with variable learning disabilities and behavior disorders. Also called: X-linked epilepsy-learning disabilities-behavior disorders syndrome. Identifiers: Orphanet 85294, MedGen C5774177, MONDO:0010339, OMIM 300491.

Submissions (2):

Institute for Human Genetics, University Hospital Essen
Classification: Likely pathogenic for Intellectual developmental disorder, X-linked 50. Last evaluated: 2022-07-30. Review status: criteria provided, single submitter. Criteria: ACMG Guidelines, 2015. Collection method: clinical testing. Allele origin: de novo. Affected: yes.

Johns Hopkins Genomics, Johns Hopkins University
Classification: Uncertain significance for Epilepsy, X-linked 1, with variable learning disabilities and behavior disorders. Last evaluated: 2020-01-06. Review status: criteria provided, single submitter. Criteria: ACMG Guidelines, 2015. Collection method: clinical testing. Allele origin: germline.
Comment: This SYN1 variant is absent from a large population dataset, and has not been reported in the literature to our knowledge. Three bioinformatic tools queried predict that this substitution would be possibly damaging, and the threonine residue at this position is evolutionarily conserved across the vertebrates assessed. Additionally, bioinformatic analysis predicts that this variant would not affect normal exon 8 splicing, although this has not been confirmed experimentally to our knowledge. This substitution does not occur in a functional domain of the SYN1 protein where other disease associated variants are located. Due to insufficient evidence that this variant is deleterious, we consider the clinical significance of c.986C>T to be uncertain at this time.

Literature cited by the submitters: PubMed 36568968 (cited by Institute for Human Genetics, University Hospital Essen); PubMed 14985377 (cited by Johns Hopkins Genomics, Johns Hopkins University); PubMed 21441247 (cited by Johns Hopkins Genomics, Johns Hopkins University); PubMed 28973667 (cited by Johns Hopkins Genomics, Johns Hopkins University).